The following is an entry in ClinVar:

NM_001734.5(C1S):c.1999C>T (p.Arg667Trp)

Gene: C1S (complement C1s; plus strand). Cytogenetic location: 12p13.31.
Variant type: single nucleotide variant.
Coding change: c.1999C>T on transcript NM_001734.5 (MANE Select); coding-DNA position 1999, C replaced by T.
Protein change: p.Arg667Trp; replaces arginine 667 with tryptophan.
Molecular consequence: missense variant.
Genome position (GRCh38, 1-based): chr12:7,070,583, C>T. VCF-style: chr12-7070583-C-T. GRCh37 (hg19) VCF-style: chr12-7177887-C-T.
Other names: c.1498C>T, p.Arg500Trp (NM_001346850.2); c.1999C>T, p.Arg667Trp (NM_201442.4); short protein forms R500W, R667W.
Identifiers: ClinVar variation 1474892 (VCV001474892.8), dbSNP rs377093428, ClinGen allele CA6423869.

ClinVar aggregate classification (germline): Uncertain significance (1 of 4 stars; one submission).

Allele frequency attached by ClinVar (database versions not stated): ExAC 0.00002; gnomAD exomes 0.00002 and 0.00003; TOPMed 0.00002; gnomAD 0.00003 and 0.00004; ESP Exome Variant Server 0.00008.
gnomAD v4.1: 32 of 1,613,856 alleles (0.002%); highest among the groups gnomAD compares: African/African-American, 0.008%; no homozygotes.

Submission:

Labcorp Genetics (formerly Invitae), Labcorp
Classification: Uncertain significance. Last evaluated: 2025-12-26. Review status: criteria provided, single submitter. Criteria: Invitae Variant Classification Sherloc (09022015). Collection method: clinical testing. Allele origin: germline.
Comment: This sequence change replaces arginine, which is basic and polar, with tryptophan, which is neutral and slightly polar, at codon 667 of the C1S protein (p.Arg667Trp). This variant is present in population databases (rs377093428, gnomAD 0.01%). This variant has not been reported in the literature in individuals affected with C1S-related conditions. ClinVar contains an entry for this variant (Variation ID: 1474892). Invitae Evidence Modeling of protein sequence and biophysical properties (such as structural, functional, and spatial information, amino acid conservation, physicochemical variation, residue mobility, and thermodynamic stability) indicates that this missense variant is expected to disrupt C1S protein function with a positive predictive value of 80%. In summary, the available evidence is currently insufficient to determine the role of this variant in disease. Therefore, it has been classified as a Variant of Uncertain Significance.